The following is an entry in ClinVar:

ClinVar aggregate classification (germline): Uncertain significance (1 of 4 stars; one submission).

Conditions:
Charcot-Marie-Tooth disease axonal type 2O. Also called: CHARCOT-MARIE-TOOTH NEUROPATHY, AXONAL, TYPE 2O; CHARCOT-MARIE-TOOTH DISEASE, AXONAL, AUTOSOMAL DOMINANT, TYPE 2O; Charcot-Marie-Tooth disease, axonal, type 20; Charcot-Marie-Tooth Neuropathy Type 2O. Identifiers: Orphanet 284232, MedGen C3280220, MONDO:0013644, OMIM 614228.

Allele frequency attached by ClinVar (database versions not stated): gnomAD exomes below 0.00001.
gnomAD v4.1: 1 of 1,614,158 alleles (0.000062%); highest among the groups gnomAD compares: Non-Finnish European, 0.000085%; no homozygotes.

Submission:

Labcorp Genetics (formerly Invitae), Labcorp
Classification: Uncertain significance for Charcot-Marie-Tooth disease axonal type 2O. Last evaluated: 2025-10-08. Review status: criteria provided, single submitter. Criteria: Invitae Variant Classification Sherloc (09022015). Collection method: clinical testing. Allele origin: germline.
Comment: This sequence change replaces threonine, which is neutral and polar, with alanine, which is neutral and non-polar, at codon 3900 of the DYNC1H1 protein (p.Thr3900Ala). This variant is not present in population databases (gnomAD no frequency). This variant has not been reported in the literature in individuals affected with DYNC1H1-related conditions. ClinVar contains an entry for this variant (Variation ID: 1482078). Invitae Evidence Modeling of protein sequence and biophysical properties (such as structural, functional, and spatial information, amino acid conservation, physicochemical variation, residue mobility, and thermodynamic stability) indicates that this missense variant is not expected to disrupt DYNC1H1 protein function with a negative predictive value of 95%. In summary, the available evidence is currently insufficient to determine the role of this variant in disease. Therefore, it has been classified as a Variant of Uncertain Significance.

NM_001376.5(DYNC1H1):c.11698A>G (p.Thr3900Ala)

Gene: DYNC1H1 (dynein cytoplasmic 1 heavy chain 1; plus strand). Cytogenetic location: 14q32.31.
Variant type: single nucleotide variant.
Coding change: c.11698A>G on transcript NM_001376.5 (MANE Select); coding-DNA position 11698, A replaced by G.
Protein change: p.Thr3900Ala; replaces threonine 3900 with alanine.
Molecular consequence: missense variant.
Genome position (GRCh38, 1-based): chr14:102,040,243, A>G. VCF-style: chr14-102040243-A-G. GRCh37 (hg19) VCF-style: chr14-102506580-A-G.
Other names: short protein forms T3900A.
Identifiers: ClinVar variation 1482078 (VCV001482078.8), dbSNP rs2048630829, ClinGen allele CA391036413.